The following is an entry in ClinVar:

ClinVar aggregate classification (germline): Pathogenic (1 of 4 stars; one submission).

Submission:

Labcorp Genetics (formerly Invitae), Labcorp
Classification: Pathogenic. Last evaluated: 2023-09-22. Review status: criteria provided, single submitter. Criteria: Invitae Variant Classification Sherloc (09022015). Collection method: clinical testing. Allele origin: unknown.
Comment: A gross deletion of the genomic region encompassing the full coding sequence of the PUS1 gene has been identified. Loss-of-function variants in PUS1 are known to be pathogenic (PMID: 17056637, 19731322, 25058219, 26556812). The boundaries of this event are unknown as they extend beyond the assayed region for this gene and therefore may encompass additional genes. This variant has not been reported in the literature in individuals affected with PUS1-related conditions. For these reasons, this variant has been classified as Pathogenic.

Literature cited by the submitters: PubMed 17056637; PubMed 19731322; PubMed 25058219; PubMed 26556812.

NC_000012.11:g.(?_132414268)_(133263901_?)del

Genes: DDX51 (DEAD-box helicase 51; minus strand), EP400 (E1A binding protein p400; plus strand), FBRSL1 (fibrosin like 1; plus strand), LRCOL1 (leucine rich colipase like 1; minus strand), MUC8 (mucin 8; minus strand) and 4 more. Cytogenetic location: 12q24.33.
Variant type: Deletion.
Identifiers: ClinVar variation 3244436 (VCV003244436.1).